The following is an entry in ClinVar:

NM_018026.4(PACS1):c.733G>A (p.Val245Met)

Gene: PACS1 (phosphofurin acidic cluster sorting protein 1; plus strand). Cytogenetic location: 11q13.2.
Variant type: single nucleotide variant.
Coding change: c.733G>A on transcript NM_018026.4 (MANE Select); coding-DNA position 733, G replaced by A.
Protein change: p.Val245Met; replaces valine 245 with methionine.
Molecular consequence: missense variant.
Genome position (GRCh38, 1-based): chr11:66,216,191, G>A. VCF-style: chr11-66216191-G-A. GRCh37 (hg19) VCF-style: chr11-65983662-G-A.
Other names: short protein forms V245M.
Identifiers: ClinVar variation 1998021 (VCV001998021.5), dbSNP rs1468493499, ClinGen allele CA381347712.
Genomic context (GRCh38, chr11:66,216,191, plus strand): 5'-CCTAATGAAGGCGCACTGGTGCTTGGCCTACACAGCAACGTGAAGGATGTCTCTGTGCCT[G>A]TGGCAGAAATAAAGATCTACTCCCTGTCCAGCCAACCCATTGACCATGAAGGAATCAAAT-3'
Protein context (NP_060496.2, residues 235-255): HSNVKDVSVP[Val245Met]AEIKIYSLSS

ClinVar aggregate classification (germline): Uncertain significance. Review status: criteria provided, multiple submitters, no conflicts (2 of 4 stars). 2 submissions from 2 submitters: Uncertain significance (2). Last evaluated 2025-03-17.

Conditions:
Schuurs-Hoeijmakers syndrome. Also called: PACS1-Related Neurodevelopmental Disorder. Identifiers: Orphanet 329224, MedGen C3554343, MONDO:0014006, OMIM 615009.

Allele frequency attached by ClinVar (database versions not stated): gnomAD 0.00002; 1000 Genomes Project 30x 0.00016; TOPMed 0.00001; gnomAD exomes below 0.00001.
gnomAD v4.1: 6 of 1,614,030 alleles (0.00037%); highest among the groups gnomAD compares: African/African-American, 0.004%; no homozygotes.

Submissions (2):

Women's Health and Genetics/Laboratory Corporation of America, LabCorp
Classification: Uncertain significance. Last evaluated: 2025-03-17. Review status: criteria provided, single submitter. Criteria: LabCorp Variant Classification Summary - May 2015. Collection method: clinical testing. Allele origin: germline.
Comment: Variant summary: PACS1 c.733G>A (p.Val245Met) results in a conservative amino acid change in the encoded protein sequence. Three of five in-silico tools predict a damaging effect of the variant on protein function. The variant allele was found at a frequency of 4e-06 in 251106 control chromosomes. The available data on variant occurrences in the general population are insufficient to allow any conclusion about variant significance. To our knowledge, no occurrence of c.733G>A in individuals affected with Schuurs-Hoeijmakers Syndrome and no experimental evidence demonstrating its impact on protein function have been reported. ClinVar contains an entry for this variant (Variation ID: 1998021). Based on the evidence outlined above, the variant was classified as uncertain significance.

Labcorp Genetics (formerly Invitae), Labcorp
Classification: Uncertain significance for Schuurs-Hoeijmakers syndrome. Last evaluated: 2022-05-22. Review status: criteria provided, single submitter. Criteria: Invitae Variant Classification Sherloc (09022015). Collection method: clinical testing. Allele origin: germline.
Comment: This variant is present in population databases (no rsID available, gnomAD 0.004%). This sequence change replaces valine, which is neutral and non-polar, with methionine, which is neutral and non-polar, at codon 245 of the PACS1 protein (p.Val245Met). This variant has not been reported in the literature in individuals affected with PACS1-related conditions. Algorithms developed to predict the effect of missense changes on protein structure and function are either unavailable or do not agree on the potential impact of this missense change (SIFT: "Deleterious"; PolyPhen-2: "Probably Damaging"; Align-GVGD: "Class C0"). In summary, the available evidence is currently insufficient to determine the role of this variant in disease. Therefore, it has been classified as a Variant of Uncertain Significance.